The following is an entry in ClinVar:

ClinVar aggregate classification (germline): Uncertain significance (1 of 4 stars; one submission).

Conditions:
Ataxia-telangiectasia syndrome (AT). Also called: LOUIS-BAR SYNDROME; Cerebello-oculocutaneous telangiectasia; Immunodeficiency with ataxia telangiectasia; ATAXIA-TELANGIECTASIA, COMPLEMENTATION GROUP A; ATAXIA-TELANGIECTASIA, FRESNO VARIANT; Ataxia-telangiectasia. Identifiers: Orphanet 100, MedGen C0004135, MONDO:0008840, OMIM 208900.

gnomAD v4.1: 1 of 1,614,054 alleles (0.000062%); highest among the groups gnomAD compares: African/African-American, 0.0013%; no homozygotes.

Submission:

Labcorp Genetics (formerly Invitae), Labcorp
Classification: Uncertain significance for Ataxia-telangiectasia syndrome. Last evaluated: 2024-04-02. Review status: criteria provided, single submitter. Criteria: Invitae Variant Classification Sherloc (09022015). Collection method: clinical testing. Allele origin: germline.
Comment: This sequence change replaces proline, which is neutral and non-polar, with arginine, which is basic and polar, at codon 2982 of the ATM protein (p.Pro2982Arg). This variant is present in population databases (rs150008868, gnomAD 0.007%). This variant has not been reported in the literature in individuals affected with ATM-related conditions. An algorithm developed to predict the effect of missense changes on protein structure and function (PolyPhen-2) suggests that this variant is likely to be tolerated. In summary, the available evidence is currently insufficient to determine the role of this variant in disease. Therefore, it has been classified as a Variant of Uncertain Significance.

NM_000051.4(ATM):c.8945C>G (p.Pro2982Arg)

Genes: ATM (ATM serine/threonine kinase; plus strand), C11orf65 (chromosome 11 open reading frame 65; minus strand). Cytogenetic location: 11q22.3.
Variant type: single nucleotide variant.
Coding change: c.8945C>G on transcript NM_000051.4 (MANE Select); coding-DNA position 8945, C replaced by G.
Protein change: p.Pro2982Arg; replaces proline 2982 with arginine.
Molecular consequence: missense variant. On other transcripts: intron variant (2).
Genome position (GRCh38, 1-based): chr11:108,365,176, C>G. VCF-style: chr11-108365176-C-G. GRCh37 (hg19) VCF-style: chr11-108235903-C-G.
Other names: c.640+20744G>C (NM_001330368.2); c.694+20744G>C (NM_001351110.2); c.8945C>G, p.Pro2982Arg (NM_001351834.2); short protein forms P2982R.
Identifiers: ClinVar variation 3609541 (VCV003609541.2).